The following is an entry in ClinVar:

ClinVar aggregate classification (germline): Uncertain significance (1 of 4 stars; one submission).

gnomAD v4.1: 1 of 1,614,038 alleles (0.000062%); highest among the groups gnomAD compares: Non-Finnish European, 0.000085%; no homozygotes.

Submission:

Ambry Genetics
Classification: Uncertain significance. Last evaluated: 2024-05-31. Review status: criteria provided, single submitter. Criteria: Ambry Variant Classification Scheme 2023. Collection method: clinical testing. Allele origin: germline.
Comment: The p.L1042F variant (also known as c.3126G>C), located in coding exon 28 of the KIF1B gene, results from a G to C substitution at nucleotide position 3126. The leucine at codon 1042 is replaced by phenylalanine, an amino acid with highly similar properties. This amino acid position is conserved. In addition, this alteration is predicted to be tolerated by in silico analysis. Based on the available evidence, the clinical significance of this variant remains unclear.

NM_001365951.3(KIF1B):c.3264G>C (p.Leu1088Phe)

Gene: KIF1B (kinesin family member 1B; plus strand). Cytogenetic location: 1p36.22.
Variant type: single nucleotide variant.
Coding change: c.3264G>C on transcript NM_001365951.3 (MANE Select); coding-DNA position 3264, G replaced by C.
Protein change: p.Leu1088Phe; replaces leucine 1088 with phenylalanine.
Molecular consequence: missense variant.
Genome position (GRCh38, 1-based): chr1:10,337,375, G>C. VCF-style: chr1-10337375-G-C. GRCh37 (hg19) VCF-style: chr1-10397433-G-C.
Other names: c.3264G>C, p.Leu1088Phe (NM_001365952.1); c.3126G>C, p.Leu1042Phe (NM_015074.3); short protein forms L1042F, L1088F.
Identifiers: ClinVar variation 3288471 (VCV003288471.1).